The following is an entry in ClinVar:

ClinVar aggregate classification (germline): Benign/Likely benign. Review status: criteria provided, multiple submitters, no conflicts (2 of 4 stars). 5 submissions from 5 submitters: Benign (3); Likely benign (2). Last evaluated 2026-05-01.

Conditions:
Developmental and epileptic encephalopathy, 23 (DEE23). Also called: Epileptic encephalopathy, early infantile, 23. Identifiers: Orphanet 411986, MedGen C4014492, MONDO:0014371, OMIM 615859.

Allele frequency attached by ClinVar (database versions not stated): 1000 Genomes Project 0.00060; 1000 Genomes Project 30x 0.00078; ESP Exome Variant Server 0.00092; gnomAD 0.00096 and 0.00107; TOPMed 0.00096.
gnomAD v4.1: 2,234 of 1,614,056 alleles (0.14%); highest among the groups gnomAD compares: Middle Eastern, 0.18%; 2 homozygotes.

Submissions (5):

CeGaT Center for Human Genetics Tuebingen
Classification: Likely benign. Last evaluated: 2026-05-01. Review status: criteria provided, single submitter. Criteria: CeGaT Center For Human Genetics Tuebingen Variant Classification Criteria Version 2. Collection method: clinical testing. Allele origin: germline. Affected: yes. Observed: 9 variant alleles.
Comment: DOCK7: BP4, BP7

Labcorp Genetics (formerly Invitae), Labcorp
Classification: Benign for Developmental and epileptic encephalopathy, 23. Last evaluated: 2026-02-03. Review status: criteria provided, single submitter. Criteria: Invitae Variant Classification Sherloc (09022015). Collection method: clinical testing. Allele origin: germline.

Blueprint Genetics
Classification: Likely benign. Last evaluated: 2024-11-20. Review status: criteria provided, single submitter. Criteria: ACMG Guidelines, 2015. Collection method: clinical testing. Allele origin: germline.

ARUP Laboratories, Molecular Genetics and Genomics, ARUP Laboratories
Classification: Benign for Developmental and epileptic encephalopathy, 23. Last evaluated: 2024-11-06. Review status: criteria provided, single submitter. Criteria: ARUP Molecular Germline Variant Investigation Process 2024. Collection method: clinical testing. Allele origin: germline.

Genome-Nilou Lab
Classification: Benign for Developmental and epileptic encephalopathy, 23. Last evaluated: 2023-04-11. Review status: criteria provided, single submitter. Criteria: ACMG Guidelines, 2015. Collection method: clinical testing. Allele origin: germline. Affected: no.

NM_001367561.1(DOCK7):c.4668G>A (p.Arg1556=)

Gene: DOCK7 (dedicator of cytokinesis 7; minus strand). Cytogenetic location: 1p31.3.
Variant type: single nucleotide variant.
Coding change: c.4668G>A on transcript NM_001367561.1 (MANE Select); coding-DNA position 4668, G replaced by A.
Protein change: p.Arg1556=; no amino-acid change (arginine 1556 retained).
Molecular consequence: synonymous variant.
Genome position (GRCh38, 1-based): chr1:62,504,726, C>T on the plus strand (G>A on the coding strand, the complement: DOCK7 is on the minus strand). VCF-style: chr1-62504726-C-T. GRCh37 (hg19) VCF-style: chr1-62970397-C-T.
Other names: c.4641G>A, p.Arg1547= (NM_001271999.2, NM_001330614.2); c.4548G>A, p.Arg1516= (NM_001272000.2, NM_001272001.2); c.4575G>A, p.Arg1525= (NM_033407.4).
Identifiers: ClinVar variation 475152 (VCV000475152.47), dbSNP rs115353638, ClinGen allele CA885639.